The following is an entry in ClinVar:

NM_000551.4(VHL):c.620C>T (p.Ala207Val)

Genes: VHL (von Hippel-Lindau tumor suppressor; plus strand), LOC107303340 (3p25 von Hippel-Lindau tumor suppressor, E3 ubiquitin protein ligase Alu-mediated recombination region; plus strand). Cytogenetic location: 3p25.3.
Variant type: single nucleotide variant.
Coding change: c.620C>T on transcript NM_000551.4 (MANE Select); coding-DNA position 620, C replaced by T.
Protein change: p.Ala207Val; replaces alanine 207 with valine.
Molecular consequence: missense variant. On other transcripts: 3 prime UTR variant (1).
Genome position (GRCh38, 1-based): chr3:10,149,943, C>T. VCF-style: chr3-10149943-C-T. GRCh37 (hg19) VCF-style: chr3-10191627-C-T.
Other names: c.*174C>T (NM_001354723.2); c.497C>T, p.Ala166Val (NM_198156.3); short protein forms A207V, A166V.
Identifiers: ClinVar variation 411958 (VCV000411958.12), dbSNP rs1060503549, ClinGen allele CA16611076.

ClinVar aggregate classification (germline): Conflicting classifications of pathogenicity. Review status: criteria provided, conflicting classifications (1 of 4 stars). 6 submissions from 6 submitters: Uncertain significance (5); Likely benign (1). Last evaluated 2026-01-22.

Conditions:
Von Hippel-Lindau syndrome (VHLS). Also called: Von Hippel-Lindau; VHL syndrome; von Hippel–Lindau syndrome. Identifiers: Orphanet 892, MedGen C0019562, MONDO:0008667, OMIM 193300. Disease mechanism: loss of function.
Chuvash polycythemia. Also called: POLYCYTHEMIA, VHL-DEPENDENT. Identifiers: Orphanet 238557, MedGen C1837915, MONDO:0009892, OMIM 263400.
Hereditary cancer-predisposing syndrome. Also called: Hereditary neoplastic syndrome; Neoplastic Syndromes, Hereditary; Tumor predisposition; Hereditary Cancer Syndrome. Identifiers: Orphanet 140162, MedGen C0027672, MeSH D009386, MONDO:0015356.
Pheochromocytoma. Also called: MAX-Related Hereditary Paraganglioma-Pheochromocytoma Syndrome. Identifiers: Orphanet 29072, MedGen C0031511, MONDO:0008233, OMIM 171300, HP:0002666.
Nonpapillary renal cell carcinoma. Identifiers: Orphanet 422526, MedGen CN074294, MONDO:0007763, OMIM 144700.

Allele frequency attached by ClinVar (database versions not stated): gnomAD exomes 0.00001 and 0.00002.
gnomAD v4.1: 4 of 1,614,036 alleles (0.00025%); highest among the groups gnomAD compares: Admixed American, 0.0067%; no homozygotes.

Submissions (6):

Women's Health and Genetics/Laboratory Corporation of America, LabCorp
Classification: Uncertain significance. Last evaluated: 2026-01-22. Review status: criteria provided, single submitter. Criteria: LabCorp Variant Classification Summary - May 2015. Collection method: clinical testing. Allele origin: germline.
Comment: Variant summary: VHL c.620C>T (p.Ala207Val) results in a non-conservative amino acid change in the encoded protein sequence. Algorithms developed to predict the effect of missense changes on protein structure and function are either unavailable or do not agree on the potential impact of this missense change. The variant allele was found at a frequency of 1.6e-05 in 251200 control chromosomes. The available data on variant occurrences in the general population are insufficient to allow any conclusion about variant significance. c.620C>T has been observed in an individual affected with Hereditary Paraganglioma-Pheochromocytoma Syndrome without strong evidence for causality as they harbored additional variants in VHL, including one that was de novo (Li_2023). This report does not provide unequivocal conclusions about association of the variant with Hereditary Paraganglioma-Pheochromocytoma Syndrome. To our knowledge, no experimental evidence demonstrating an impact on protein function has been reported. The following publication has been ascertained in the context of this evaluation (PMID: 36936415). ClinVar contains an entry for this variant (Variation ID: 411958). Based on the evidence outlined above, the variant was classified as uncertain significance.

Labcorp Genetics (formerly Invitae), Labcorp
Classification: Uncertain significance for Von Hippel-Lindau syndrome; Chuvash polycythemia. Last evaluated: 2025-12-09. Review status: criteria provided, single submitter. Criteria: Invitae Variant Classification Sherloc (09022015). Collection method: clinical testing. Allele origin: germline.
Comment: This sequence change replaces alanine, which is neutral and non-polar, with valine, which is neutral and non-polar, at codon 207 of the VHL protein (p.Ala207Val). This variant is present in population databases (no rsID available, gnomAD 0.01%). This variant has not been reported in the literature in individuals affected with VHL-related conditions. ClinVar contains an entry for this variant (Variation ID: 411958). Invitae Evidence Modeling of protein sequence and biophysical properties (such as structural, functional, and spatial information, amino acid conservation, physicochemical variation, residue mobility, and thermodynamic stability) indicates that this missense variant is not expected to disrupt VHL protein function with a negative predictive value of 95%. In summary, the available evidence is currently insufficient to determine the role of this variant in disease. Therefore, it has been classified as a Variant of Uncertain Significance.

All of Us Research Program, National Institutes of Health
Classification: Uncertain significance for Von Hippel-Lindau syndrome. Last evaluated: 2024-06-11. Review status: criteria provided, single submitter. Criteria: ACMG Guidelines, 2015. Collection method: clinical testing. Allele origin: germline. Inheritance: Autosomal dominant inheritance. Observed: 1 variant allele, 1 heterozygote.
Comment: This missense variant replaces alanine with valine at codon 207 of the VHL protein. Computational prediction is inconclusive regarding the impact of this variant on protein structure and function (internally defined REVEL score threshold 0.5 < inconclusive < 0.7, PMID: 27666373). To our knowledge, functional studies have not been reported for this variant. This variant has not been reported in individuals affected with hereditary cancer in the literature. This variant has been identified in 4/251200 chromosomes in the general population by the Genome Aggregation Database (gnomAD). The available evidence is insufficient to determine the role of this variant in disease conclusively. Therefore, this variant is classified as a Variant of Uncertain Significance.

This study involves interpretation of variants in research participants for the purpose of population health screening. Participant phenotype was not available at the time of variant classification. Additional details can be found in publication PMID: 35346344, PMCID: PMC8962531

Fulgent Genetics
Classification: Uncertain significance for Nonpapillary renal cell carcinoma; Pheochromocytoma; Von Hippel-Lindau syndrome; Chuvash polycythemia. Last evaluated: 2024-05-30. Review status: criteria provided, single submitter. Criteria: ACMG Guidelines, 2015. Collection method: clinical testing. Allele origin: germline.

GeneDx
Classification: Uncertain significance. Last evaluated: 2023-07-20. Review status: criteria provided, single submitter. Criteria: GeneDx Variant Classification Process June 2021. Collection method: clinical testing. Allele origin: germline. Affected: yes.
Comment: Not observed at significant frequency in large population cohorts (gnomAD); In silico analysis supports that this missense variant does not alter protein structure/function; Has not been previously published as pathogenic or benign to our knowledge; This variant is associated with the following publications: (PMID: 29732003)

Ambry Genetics
Classification: Likely benign for Hereditary cancer-predisposing syndrome. Last evaluated: 2022-01-06. Review status: criteria provided, single submitter. Criteria: Ambry Variant Classification Scheme 2023. Collection method: clinical testing. Allele origin: germline.

Literature cited by the submitters: PubMed 36936415 (cited by Women's Health and Genetics/Laboratory Corporation of America, LabCorp).